The following is an entry in ClinVar:

NM_198253.3(TERT):c.2476G>A (p.Val826Ile)

Gene: TERT (telomerase reverse transcriptase; minus strand). Cytogenetic location: 5p15.33.
Variant type: single nucleotide variant.
Coding change: c.2476G>A on transcript NM_198253.3 (MANE Select); coding-DNA position 2476, G replaced by A.
Protein change: p.Val826Ile; replaces valine 826 with isoleucine.
Molecular consequence: missense variant. On other transcripts: non-coding transcript variant (2).
Genome position (GRCh38, 1-based): chr5:1,268,626, C>T on the plus strand (G>A on the coding strand, the complement: TERT is on the minus strand). VCF-style: chr5-1268626-C-T. GRCh37 (hg19) VCF-style: chr5-1268741-C-T.
Other names: c.2476G>A, p.Val826Ile (NM_001193376.3); short protein forms V826I.
Identifiers: ClinVar variation 410689 (VCV000410689.48), dbSNP rs1060503009, ClinGen allele CA16611667.

ClinVar aggregate classification (germline): Uncertain significance. Review status: criteria provided, multiple submitters, no conflicts (2 of 4 stars). 2 submissions from 2 submitters: Uncertain significance (2). Last evaluated 2025-02-27.

Conditions:
Dyskeratosis congenita, autosomal dominant 2. Identifiers: MedGen C3151443, MONDO:0013521, OMIM 613989.
Idiopathic Pulmonary Fibrosis. Also called: Idiopathic fibrosing alveolitis, chronic form; idiopathic fibrosing alveolitis. Identifiers: Orphanet 2032, MedGen C1800706, MeSH D054990, MONDO:0800504.
Dyskeratosis congenita. Identifiers: Orphanet 1775, MedGen C0265965, MONDO:0015780.

Allele frequency attached by ClinVar (database versions not stated): gnomAD exomes below 0.00001; gnomAD 0.00001; TOPMed 0.00003.
gnomAD v4.1: 11 of 1,611,534 alleles (0.00068%); highest among the groups gnomAD compares: Middle Eastern, 0.016%; no homozygotes.

Submissions (2):

Labcorp Genetics (formerly Invitae), Labcorp
Classification: Uncertain significance for Dyskeratosis congenita, autosomal dominant 2; Idiopathic Pulmonary Fibrosis. Last evaluated: 2025-02-27. Review status: criteria provided, single submitter. Criteria: Invitae Variant Classification Sherloc (09022015). Collection method: clinical testing. Allele origin: germline.
Comment: This sequence change replaces valine, which is neutral and non-polar, with isoleucine, which is neutral and non-polar, at codon 826 of the TERT protein (p.Val826Ile). This variant is present in population databases (no rsID available, gnomAD 0.006%). This variant has not been reported in the literature in individuals affected with TERT-related conditions. ClinVar contains an entry for this variant (Variation ID: 410689). Invitae Evidence Modeling of protein sequence and biophysical properties (such as structural, functional, and spatial information, amino acid conservation, physicochemical variation, residue mobility, and thermodynamic stability) indicates that this missense variant is not expected to disrupt TERT protein function with a negative predictive value of 95%. In summary, the available evidence is currently insufficient to determine the role of this variant in disease. Therefore, it has been classified as a Variant of Uncertain Significance.

Ambry Genetics
Classification: Uncertain significance for Dyskeratosis congenita. Last evaluated: 2024-12-16. Review status: criteria provided, single submitter. Criteria: Ambry Variant Classification Scheme 2023. Collection method: clinical testing. Allele origin: germline.
Comment: The p.V826I variant (also known as c.2476G>A), located in coding exon 9 of the TERT gene, results from a G to A substitution at nucleotide position 2476. The valine at codon 826 is replaced by isoleucine, an amino acid with highly similar properties. This amino acid position is conserved. In addition, this alteration is predicted to be tolerated by in silico analysis. Based on the available evidence, the clinical significance of this variant remains unclear.